The following is an entry in ClinVar:

NM_005121.3(MED13):c.4628C>G (p.Ser1543Cys)

Gene: MED13 (mediator complex subunit 13; minus strand). Cytogenetic location: 17q23.2.
Variant type: single nucleotide variant.
Coding change: c.4628C>G on transcript NM_005121.3 (MANE Select); coding-DNA position 4628, C replaced by G.
Protein change: p.Ser1543Cys; replaces serine 1543 with cysteine.
Molecular consequence: missense variant.
Genome position (GRCh38, 1-based): chr17:61,965,222, G>C on the plus strand (C>G on the coding strand, the complement: MED13 is on the minus strand). VCF-style: chr17-61965222-G-C. GRCh37 (hg19) VCF-style: chr17-60042583-G-C.
Other names: short protein forms S1543C.
Identifiers: ClinVar variation 4687437 (VCV004687437.1).
Genomic context (GRCh38, chr17:61,965,222, plus strand): 5'-CTGCCAAAGGGTGGAAACGAAGGTAGTTTATTTGATGATACTCCACTATTCAAGTTGGAG[G>C]ATGATGAAGATGAAGTTGAAGCTGTGGTCAAAGTTGAATTAGCTGTGGCAACTGAAGTAG-3'
Protein context (NP_005112.2, residues 1533-1553): LTTASTSSSS[Ser1543Cys]SNLNSGVSSN

ClinVar aggregate classification (germline): Uncertain significance (1 of 4 stars; one submission).

gnomAD v4.1: 1 of 1,614,020 alleles (0.000062%); highest among the groups gnomAD compares: Admixed American, 0.0017%; no homozygotes.

Submission:

Women's Health and Genetics/Laboratory Corporation of America, LabCorp
Classification: Uncertain significance. Last evaluated: 2025-10-08. Review status: criteria provided, single submitter. Criteria: LabCorp Variant Classification Summary - May 2015. Collection method: clinical testing. Allele origin: germline.
Comment: Variant summary: MED13 c.4628C>G (p.Ser1543Cys) results in a non-conservative amino acid change in the encoded protein sequence. Algorithms developed to predict the effect of missense changes on protein structure and function are either unavailable or do not agree on the potential impact of this missense change. The variant was absent in 249570 control chromosomes. The available data on variant occurrences in the general population are insufficient to allow any conclusion about variant significance. To our knowledge, no occurrence of c.4628C>G in individuals affected with MED13-related conditions and no experimental evidence demonstrating its impact on protein function have been reported. No submitters have cited clinical-significance assessments for this variant to ClinVar. Based on the evidence outlined above, the variant was classified as uncertain significance.